The following is an entry in ClinVar:

NM_001290043.2(TAP2):c.1924G>A (p.Glu642Lys)

Gene: TAP2 (transporter 2, ATP binding cassette subfamily B member; minus strand). Cytogenetic location: 6p21.32.
Variant type: single nucleotide variant.
Coding change: c.1924G>A on transcript NM_001290043.2 (MANE Select); coding-DNA position 1924, G replaced by A.
Protein change: p.Glu642Lys; replaces glutamic acid 642 with lysine.
Molecular consequence: missense variant.
Genome position (GRCh38, 1-based): chr6:32,829,408, C>T on the plus strand (G>A on the coding strand, the complement: TAP2 is on the minus strand). VCF-style: chr6-32829408-C-T. GRCh37 (hg19) VCF-style: chr6-32797185-C-T.
Other names: c.1924G>A, p.Glu642Lys (NM_000544.3, NM_018833.3); short protein forms E642K.
Identifiers: ClinVar variation 1992268 (VCV001992268.1), dbSNP rs765581144, ClinGen allele CA3745764.
Genomic context (GRCh38, chr6:32,829,408, plus strand): 5'-CCAGCATGCCCCTCCCAGGCCCCACTGTCCCCTGCCCTCTCACGGTACTCACGGCCTGCT[C>T]GCACTGCACATCTAGGGCACTAGTAGCCTCATCCAGGATGAGGACCCGCGGGTCTCGTAC-3'
Protein context (NP_001276972.1, residues 632-652): EATSALDVQC[Glu642Lys]QALQDWNSRG

ClinVar aggregate classification (germline): Uncertain significance (1 of 4 stars; one submission).

Conditions:
MHC class I deficiency. Identifiers: Orphanet 34592, MedGen C6024714, MONDO:0011476.

Allele frequency attached by ClinVar (database versions not stated): gnomAD exomes below 0.00001; ExAC 0.00003.
gnomAD v4.1: 8 of 1,600,510 alleles (0.0005%); highest among the groups gnomAD compares: South Asian, 0.0056%; no homozygotes.

Submission:

Labcorp Genetics (formerly Invitae), Labcorp
Classification: Uncertain significance for MHC class I deficiency 1. Last evaluated: 2022-02-22. Review status: criteria provided, single submitter. Criteria: Invitae Variant Classification Sherloc (09022015). Collection method: clinical testing. Allele origin: germline.
Comment: This sequence change replaces glutamic acid, which is acidic and polar, with lysine, which is basic and polar, at codon 642 of the TAP2 protein (p.Glu642Lys). This variant is present in population databases (rs765581144, gnomAD 0.007%). This variant has not been reported in the literature in individuals affected with TAP2-related conditions. Algorithms developed to predict the effect of missense changes on protein structure and function are either unavailable or do not agree on the potential impact of this missense change (SIFT: "Tolerated"; PolyPhen-2: "Not Available"; Align-GVGD: "Class C0"). In summary, the available evidence is currently insufficient to determine the role of this variant in disease. Therefore, it has been classified as a Variant of Uncertain Significance.